The following is an entry in ClinVar:

ClinVar aggregate classification (germline): Likely benign. Review status: criteria provided, multiple submitters, no conflicts (2 of 4 stars). 3 submissions from 3 submitters: Likely benign (2). 1 of the submissions does not count toward it. Last evaluated 2025-03-12.

Conditions:
CEP250-related disorder. Also called: CEP250-related condition.

Allele frequency attached by ClinVar (database versions not stated): gnomAD exomes 0.00005 and 0.00026; gnomAD 0.00009 and 0.00010; TOPMed 0.00015; 1000 Genomes Project 0.00020; ExAC 0.00026; 1000 Genomes Project 30x 0.00031.
gnomAD v4.1: 93 of 1,613,974 alleles (0.0058%); highest among the groups gnomAD compares: East Asian, 0.19%; no homozygotes.

Submissions (3):

Labcorp Genetics (formerly Invitae), Labcorp
Classification: Likely benign. Last evaluated: 2025-03-12. Review status: criteria provided, single submitter. Criteria: Invitae Variant Classification Sherloc (09022015). Collection method: clinical testing. Allele origin: germline.

Breakthrough Genomics
Classification: Likely benign. Review status: criteria provided, single submitter. Criteria: ACMG Guidelines, 2015. Collection method: not provided. Allele origin: germline. Inheritance: Autosomal recessive inheritance. Affected: yes.

PreventionGenetics, part of Exact Sciences
Classification: Likely benign for CEP250-related condition. Last evaluated: 2023-03-14. Review status: no assertion criteria provided. Collection method: clinical testing. Allele origin: germline. Not counted in ClinVar's aggregate classification.
Comment: This variant is classified as likely benign based on ACMG/AMP sequence variant interpretation guidelines (Richards et al. 2015 PMID: 25741868, with internal and published modifications).

NM_007186.6(CEP250):c.5497G>A (p.Glu1833Lys)

Gene: CEP250 (centrosomal protein 250; plus strand). Cytogenetic location: 20q11.22.
Variant type: single nucleotide variant.
Coding change: c.5497G>A on transcript NM_007186.6 (MANE Select); coding-DNA position 5497, G replaced by A.
Protein change: p.Glu1833Lys; replaces glutamic acid 1833 with lysine.
Molecular consequence: missense variant.
Genome position (GRCh38, 1-based): chr20:35,503,866, G>A. VCF-style: chr20-35503866-G-A. GRCh37 (hg19) VCF-style: chr20-34091694-G-A.
Other names: c.5497G>A (NM_007186.5); c.3601G>A, p.Glu1201Lys (NM_001318219.1); short protein forms E1201K, E1833K.
Identifiers: ClinVar variation 1582417 (VCV001582417.11), dbSNP rs201724904, ClinGen allele CA9833881.
Genomic context (GRCh38, chr20:35,503,866, plus strand): 5'-GCCCAGAGGGACCAGGAACTGGAGGCTCTGCAGCAAGAACAGCAGCAGGCCCAGGGACAG[G>A]AGGAGAGGGTGAAGGAAAAGGCAGACGCCCTCCAGGGAGCTCTGGAGCAAGCCCATATGA-3'
Protein context (NP_009117.2, residues 1823-1843): QQEQQQAQGQ[Glu1833Lys]ERVKEKADAL